The following is an entry in ClinVar:

ClinVar aggregate classification (germline): Likely benign. Review status: criteria provided, multiple submitters, no conflicts (2 of 4 stars). 4 submissions from 4 submitters: Likely benign (4). Last evaluated 2026-05-01.

Allele frequency attached by ClinVar (database versions not stated): gnomAD exomes 0.00001 and 0.00002; ExAC 0.00002; TOPMed 0.00005; gnomAD 0.00006 and 0.00007; 1000 Genomes Project 0.00060; 1000 Genomes Project 30x 0.00078.
gnomAD v4.1: 37 of 1,582,894 alleles (0.0023%); highest among the groups gnomAD compares: Admixed American, 0.059%; 2 homozygotes.

Submissions (4):

CeGaT Center for Human Genetics Tuebingen
Classification: Likely benign. Last evaluated: 2026-05-01. Review status: criteria provided, single submitter. Criteria: CeGaT Center For Human Genetics Tuebingen Variant Classification Criteria Version 2. Collection method: clinical testing. Allele origin: germline. Affected: yes. Observed: 1 variant allele.
Comment: POLG2: BP4, BP7

Labcorp Genetics (formerly Invitae), Labcorp
Classification: Likely benign. Last evaluated: 2025-10-16. Review status: criteria provided, single submitter. Criteria: Invitae Variant Classification Sherloc (09022015). Collection method: clinical testing. Allele origin: germline.

Blueprint Genetics
Classification: Likely benign. Last evaluated: 2022-06-10. Review status: criteria provided, single submitter. Criteria: ACMG Guidelines, 2015. Collection method: clinical testing. Allele origin: germline.

Breakthrough Genomics
Classification: Likely benign. Review status: criteria provided, single submitter. Criteria: ACMG Guidelines, 2015. Collection method: not provided. Allele origin: germline. Inheritance: Autosomal recessive inheritance. Affected: yes.

NM_007215.4(POLG2):c.543A>G (p.Leu181=)

Genes: MILR1 (mast cell immunoglobulin like receptor 1; plus strand), POLG2 (DNA polymerase gamma 2, accessory subunit; minus strand). Cytogenetic location: 17q23.3.
Variant type: single nucleotide variant.
Coding change: c.543A>G on transcript NM_007215.4 (MANE Select); coding-DNA position 543, A replaced by G.
Protein change: p.Leu181=; no amino-acid change (leucine 181 retained).
Molecular consequence: synonymous variant.
Genome position (GRCh38, 1-based): chr17:64,496,426, T>C on the plus strand (A>G on the coding strand, the complement: POLG2 is on the minus strand). VCF-style: chr17-64496426-T-C. GRCh37 (hg19) VCF-style: chr17-62492544-T-C.
Identifiers: ClinVar variation 1553542 (VCV001553542.12), dbSNP rs539355407, ClinGen allele CA8713006.